The following is an entry in ClinVar:

NM_006516.4(SLC2A1):c.146T>C (p.Val49Ala)

Gene: SLC2A1 (solute carrier family 2 member 1; minus strand). Cytogenetic location: 1p34.2.
Variant type: single nucleotide variant.
Coding change: c.146T>C on transcript NM_006516.4 (MANE Select); coding-DNA position 146, T replaced by C.
Protein change: p.Val49Ala; replaces valine 49 with alanine.
Molecular consequence: missense variant.
Genome position (GRCh38, 1-based): chr1:42,931,175, A>G on the plus strand (T>C on the coding strand, the complement: SLC2A1 is on the minus strand). VCF-style: chr1-42931175-A-G. GRCh37 (hg19) VCF-style: chr1-43396846-A-G.
Other names: short protein forms V49A.
Identifiers: ClinVar variation 1311422 (VCV001311422.6), dbSNP rs1231935211, ClinGen allele CA339962452.

ClinVar aggregate classification (germline): Uncertain significance. Review status: criteria provided, multiple submitters, no conflicts (2 of 4 stars). 3 submissions from 3 submitters: Uncertain significance (3). Last evaluated 2026-09-01.

Conditions:
GLUT1 deficiency syndrome 1, autosomal recessive. Identifiers: MedGen C3149117.

Allele frequency attached by ClinVar (database versions not stated): TOPMed below 0.00001.

Submissions (3):

CeGaT Center for Human Genetics Tuebingen
Classification: Uncertain significance. Last evaluated: 2026-09-01. Review status: criteria provided, single submitter. Criteria: CeGaT Center For Human Genetics Tuebingen Variant Classification Criteria Version 2. Collection method: clinical testing. Allele origin: germline. Affected: yes. Observed: 1 variant allele.
Comment: SLC2A1: PM2, BP4

Labcorp Genetics (formerly Invitae), Labcorp
Classification: Uncertain significance for GLUT1 deficiency syndrome 1, autosomal recessive. Last evaluated: 2025-08-13. Review status: criteria provided, single submitter. Criteria: Invitae Variant Classification Sherloc (09022015). Collection method: clinical testing. Allele origin: germline.
Comment: This sequence change replaces valine, which is neutral and non-polar, with alanine, which is neutral and non-polar, at codon 49 of the SLC2A1 protein (p.Val49Ala). This variant is not present in population databases (gnomAD no frequency). This variant has not been reported in the literature in individuals affected with SLC2A1-related conditions. ClinVar contains an entry for this variant (Variation ID: 1311422). Invitae Evidence Modeling of protein sequence and biophysical properties (such as structural, functional, and spatial information, amino acid conservation, physicochemical variation, residue mobility, and thermodynamic stability) indicates that this missense variant is not expected to disrupt SLC2A1 protein function with a negative predictive value of 95%. In summary, the available evidence is currently insufficient to determine the role of this variant in disease. Therefore, it has been classified as a Variant of Uncertain Significance.

GeneDx
Classification: Uncertain significance. Last evaluated: 2019-12-30. Review status: criteria provided, single submitter. Criteria: GeneDx Variant Classification Process June 2021. Collection method: clinical testing. Allele origin: germline. Affected: yes.
Comment: Not observed in large population cohorts (Lek et al., 2016); In silico analysis, which includes protein predictors and evolutionary conservation, supports that this variant does not alter protein structure/function; Has not been previously published as pathogenic or benign to our knowledge